The following is an entry in ClinVar:

ClinVar aggregate classification (germline): Likely benign (1 of 4 stars; one submission).

Submission:

CeGaT Center for Human Genetics Tuebingen
Classification: Likely benign. Last evaluated: 2026-05-01. Review status: criteria provided, single submitter. Criteria: CeGaT Center For Human Genetics Tuebingen Variant Classification Criteria Version 2. Collection method: clinical testing. Allele origin: germline. Affected: yes. Observed: 1 variant allele.
Comment: KIF19: PM2:Supporting, BP4, BP7

NM_153209.4(KIF19):c.2538G>A (p.Leu846=)

Gene: KIF19 (kinesin family member 19; plus strand). Cytogenetic location: 17q25.1.
Variant type: single nucleotide variant.
Coding change: c.2538G>A on transcript NM_153209.4 (MANE Select); coding-DNA position 2538, G replaced by A.
Protein change: p.Leu846=; no amino-acid change (leucine 846 retained).
Molecular consequence: synonymous variant.
Genome position (GRCh38, 1-based): chr17:74,354,391, G>A. VCF-style: chr17-74354391-G-A. GRCh37 (hg19) VCF-style: chr17-72350530-G-A.
Identifiers: ClinVar variation 4873841 (VCV004873841.2).